The following is an entry in ClinVar:

NM_000057.4(BLM):c.3083A>G (p.His1028Arg)

Gene: BLM (BLM RecQ like helicase; plus strand). Cytogenetic location: 15q26.1.
Variant type: single nucleotide variant.
Coding change: c.3083A>G on transcript NM_000057.4 (MANE Select); coding-DNA position 3083, A replaced by G.
Protein change: p.His1028Arg; replaces histidine 1028 with arginine.
Molecular consequence: missense variant.
Genome position (GRCh38, 1-based): chr15:90,794,230, A>G. VCF-style: chr15-90794230-A-G. GRCh37 (hg19) VCF-style: chr15-91337460-A-G.
Other names: c.3083A>G, p.His1028Arg (NM_001287246.2, NM_001287247.2); c.1958A>G, p.His653Arg (NM_001287248.2); short protein forms H1028R, H653R.
Identifiers: ClinVar variation 575451 (VCV000575451.14), dbSNP rs1487267563, ClinGen allele CA393846792.

ClinVar aggregate classification (germline): Uncertain significance. Review status: criteria provided, single submitter (1 of 4 stars). 2 submissions from 2 submitters: Uncertain significance (1). 1 of the submissions does not count toward it. Last evaluated 2024-10-10.

Conditions:
Bloom syndrome (BLM). Also called: Bloom-Torre-Machacek syndrome. Identifiers: Orphanet 125, MedGen C0005859, MONDO:0008876, OMIM 210900.

Allele frequency attached by ClinVar (database versions not stated): TOPMed 0.00001.
gnomAD v4.1: 9 of 1,607,016 alleles (0.00056%); highest among the groups gnomAD compares: South Asian, 0.0078%; no homozygotes.

Submissions (2):

Labcorp Genetics (formerly Invitae), Labcorp
Classification: Uncertain significance for Bloom syndrome. Last evaluated: 2024-10-10. Review status: criteria provided, single submitter. Criteria: Invitae Variant Classification Sherloc (09022015). Collection method: clinical testing. Allele origin: germline.
Comment: This sequence change replaces histidine, which is basic and polar, with arginine, which is basic and polar, at codon 1028 of the BLM protein (p.His1028Arg). This variant is not present in population databases (gnomAD no frequency). This variant has not been reported in the literature in individuals affected with BLM-related conditions. ClinVar contains an entry for this variant (Variation ID: 575451). Invitae Evidence Modeling of protein sequence and biophysical properties (such as structural, functional, and spatial information, amino acid conservation, physicochemical variation, residue mobility, and thermodynamic stability) indicates that this missense variant is not expected to disrupt BLM protein function with a negative predictive value of 80%. RNA analysis performed to evaluate the impact of this missense change on mRNA splicing indicates it does not significantly alter splicing (internal data). In summary, the available evidence is currently insufficient to determine the role of this variant in disease. Therefore, it has been classified as a Variant of Uncertain Significance.

Natera, Inc.
Classification: Uncertain significance for Bloom syndrome. Last evaluated: 2020-08-29. Review status: no assertion criteria provided. Collection method: clinical testing. Allele origin: germline. Not counted in ClinVar's aggregate classification.